The following is an entry in ClinVar:

NM_006662.3(SRCAP):c.3676C>G (p.Leu1226Val)

Gene: SRCAP (Snf2 related CREBBP activator protein; plus strand). Cytogenetic location: 16p11.2.
Variant type: single nucleotide variant.
Coding change: c.3676C>G on transcript NM_006662.3 (MANE Select); coding-DNA position 3676, C replaced by G.
Protein change: p.Leu1226Val; replaces leucine 1226 with valine.
Molecular consequence: missense variant.
Genome position (GRCh38, 1-based): chr16:30,722,256, C>G. VCF-style: chr16-30722256-C-G. GRCh37 (hg19) VCF-style: chr16-30733577-C-G.
Other names: short protein forms L1226V.
Identifiers: ClinVar variation 765057 (VCV000765057.22), dbSNP rs201583296, ClinGen allele CA8011535.

ClinVar aggregate classification (germline): Conflicting classifications of pathogenicity. Review status: criteria provided, conflicting classifications (1 of 4 stars). 5 submissions from 5 submitters: Uncertain significance (1); Benign (1); Likely benign (3). Last evaluated 2025-11-06.

Conditions:
Developmental delay, hypotonia, musculoskeletal defects, and behavioral abnormalities. Identifiers: MedGen C5562012, MONDO:0859202, OMIM 619595.
Floating-Harbor syndrome (FLHS). Also called: Short stature with delayed bone age, expressive language delay, a triangular face with a prominent nose and deep-set eyes; Pelletier-Leisti syndrome; SRCAP-Related Floating-Harbor Syndrome. Identifiers: Orphanet 2044, MedGen C0729582, MONDO:0007621, OMIM 136140.

Allele frequency attached by ClinVar (database versions not stated): gnomAD exomes 0.00011 and 0.00048; gnomAD 0.00014 and 0.00017; TOPMed 0.00024; 1000 Genomes Project 0.00040; ExAC 0.00045; 1000 Genomes Project 30x 0.00062.

Submissions (5):

Labcorp Genetics (formerly Invitae), Labcorp
Classification: Benign. Last evaluated: 2025-11-06. Review status: criteria provided, single submitter. Criteria: Invitae Variant Classification Sherloc (09022015). Collection method: clinical testing. Allele origin: germline.

CeGaT Center for Human Genetics Tuebingen
Classification: Likely benign. Last evaluated: 2025-05-01. Review status: criteria provided, single submitter. Criteria: CeGaT Center For Human Genetics Tuebingen Variant Classification Criteria Version 2. Collection method: clinical testing. Allele origin: germline. Affected: yes. Observed: 1 variant allele.
Comment: SRCAP: BS1

GeneDx
Classification: Uncertain significance. Last evaluated: 2024-01-26. Review status: criteria provided, single submitter. Criteria: GeneDx Variant Classification Process June 2021. Collection method: clinical testing. Allele origin: germline. Affected: yes.
Comment: In silico analysis supports that this missense variant does not alter protein structure/function; Has not been previously published as pathogenic or benign to our knowledge

Department of Pathology and Laboratory Medicine, Sinai Health System
Classification: Likely benign for Floating-Harbor syndrome; Developmental delay, hypotonia, musculoskeletal defects, and behavioral abnormalities. Last evaluated: 2022-06-23. Review status: criteria provided, single submitter. Criteria: ACMG Guidelines, 2015. Collection method: research. Allele origin: germline.

Fulgent Genetics
Classification: Likely benign for Floating-Harbor syndrome; Developmental delay, hypotonia, musculoskeletal defects, and behavioral abnormalities. Last evaluated: 2021-10-04. Review status: criteria provided, single submitter. Criteria: ACMG Guidelines, 2015. Collection method: clinical testing. Allele origin: unknown.